The following is an entry in ClinVar:

NM_138295.5(PKD1L1):c.1208T>C (p.Leu403Pro)

Gene: PKD1L1 (polycystin 1 like 1, transient receptor potential channel interacting; minus strand). Cytogenetic location: 7p12.3.
Variant type: single nucleotide variant.
Coding change: c.1208T>C on transcript NM_138295.5 (MANE Select); coding-DNA position 1208, T replaced by C.
Protein change: p.Leu403Pro; replaces leucine 403 with proline.
Molecular consequence: missense variant.
Genome position (GRCh38, 1-based): chr7:47,915,452, A>G on the plus strand (T>C on the coding strand, the complement: PKD1L1 is on the minus strand). VCF-style: chr7-47915452-A-G. GRCh37 (hg19) VCF-style: chr7-47955049-A-G.
Other names: short protein forms L403P.
Identifiers: ClinVar variation 773492 (VCV000773492.33), dbSNP rs146750610, ClinGen allele CA4254131.

ClinVar aggregate classification (germline): Benign. Review status: criteria provided, multiple submitters, no conflicts (2 of 4 stars). 4 submissions from 4 submitters: Benign (3). 1 of the submissions does not count toward it. Last evaluated 2026-05-01.

Conditions:
PKD1L1-related disorder. Also called: PKD1L1-related condition.

Allele frequency attached by ClinVar (database versions not stated): 1000 Genomes Project 0.00479; 1000 Genomes Project 30x 0.00578; gnomAD exomes 0.00720 and 0.00835; ExAC 0.00745; gnomAD 0.00923 and 0.00954; TOPMed 0.00955; ESP Exome Variant Server 0.01046.
gnomAD v4.1: 8,281 of 975,034 alleles (0.85%); highest among the groups gnomAD compares: Middle Eastern, 1.3%; 53 homozygotes.

Submissions (4):

CeGaT Center for Human Genetics Tuebingen
Classification: Benign. Last evaluated: 2026-05-01. Review status: criteria provided, single submitter. Criteria: CeGaT Center For Human Genetics Tuebingen Variant Classification Criteria Version 2. Collection method: clinical testing. Allele origin: germline. Affected: yes. Observed: 11 variant alleles.
Comment: PKD1L1: BP4, BS1, BS2

Labcorp Genetics (formerly Invitae), Labcorp
Classification: Benign. Last evaluated: 2026-02-01. Review status: criteria provided, single submitter. Criteria: Invitae Variant Classification Sherloc (09022015). Collection method: clinical testing. Allele origin: germline.

Breakthrough Genomics
Classification: Benign. Review status: criteria provided, single submitter. Criteria: ACMG Guidelines, 2015. Collection method: not provided. Allele origin: germline. Inheritance: Autosomal recessive inheritance. Affected: yes.

PreventionGenetics, part of Exact Sciences
Classification: Benign for PKD1L1-related condition. Last evaluated: 2019-06-17. Review status: no assertion criteria provided. Collection method: clinical testing. Allele origin: germline. Not counted in ClinVar's aggregate classification.
Comment: This variant is classified as benign based on ACMG/AMP sequence variant interpretation guidelines (Richards et al. 2015 PMID: 25741868, with internal and published modifications).